The following is an entry in ClinVar:

ClinVar aggregate classification (germline): Pathogenic/Likely pathogenic. Review status: criteria provided, multiple submitters, no conflicts (2 of 4 stars). 4 submissions from 4 submitters: Pathogenic (1); Likely pathogenic (2). 1 of the submissions does not count toward it. Last evaluated 2024-02-19.

Conditions:
CREBBP-related disorder. Also called: CREBBP-related disorders; CREBBP-related condition.
Rubinstein-Taybi syndrome due to CREBBP mutations (RSTS1). Also called: RUBINSTEIN-TAYBI SYNDROME 1, INCOMPLETE; Rubinstein-Taybi syndrome 1; CREBBP-Related Rubinstein-Taybi Syndrome; RUBINSTEIN SYNDROME; BROAD THUMB-HALLUX SYNDROME; BROAD THUMBS AND GREAT TOES, CHARACTERISTIC FACIES, AND IMPAIRED INTELLECTUAL DEVELOPMENT. Identifiers: Orphanet 353277, Orphanet 783, MedGen C4551859, MONDO:0008393, OMIM 180849.

Submissions (4):

Rady Children's Institute for Genomic Medicine, Rady Children's Hospital San Diego
Classification: Likely pathogenic for CREBBP-Related Disorders. Last evaluated: 2024-02-19. Review status: criteria provided, single submitter. Criteria: ACMG Guidelines, 2015. Collection method: clinical testing. Allele origin: germline. Affected: yes.
Comment: The CREBBP gene is constrained against variation (Z-score= 4.76 and pLI = 1). The c.4133G>C (p.Arg1378Pro) variant affects a highly conserved amino acid and is predicted by multiple in silico tools to have a deleterious effect on protein function. Multiple splice prediction tools also suggest that this variant is likely to interfere with normal splicing. This variant has been previously reported as a heterozygous change in patients with autosomal dominant Rubinstein-Taybi syndrome (PMID: 11331617, 25388907). Functional studies indicate this variant leads to reduced histone acetyltransferase activity (PMID: 11331617). The c.4133G>C (p.Arg1378Pro) variant is absent from the gnomAD v4 population database and thus is presumed to be rare. Analysis of the parental samples was negative for the variant, indicating this variant likely occurred as a de novo event. Based on the available evidence, c.4133G>C (p.Arg1378Pro) is classified as Likely Pathogenic.

Provincial Medical Genetics Program of British Columbia, University of British Columbia
Classification: Likely pathogenic for Rubinstein-Taybi syndrome due to CREBBP mutations. Last evaluated: 2022-01-01. Review status: criteria provided, single submitter. Criteria: ACMG Guidelines, 2015. Collection method: clinical testing. Allele origin: de novo. Affected: yes.

Blueprint Genetics
Classification: Pathogenic for CREBBP-related disorders. Last evaluated: 2019-06-04. Review status: criteria provided, single submitter. Criteria: ACMG Guidelines, 2015. Collection method: clinical testing. Allele origin: germline. Affected: yes. Observed: 1 variant allele.

OMIM
Classification: Pathogenic for RUBINSTEIN-TAYBI SYNDROME 1. Last evaluated: 2001-05-01. Review status: no assertion criteria provided. Collection method: literature only. Allele origin: germline. Not counted in ClinVar's aggregate classification.

Literature cited by the submitters: PubMed 11331617 (cited by OMIM).

NM_004380.3(CREBBP):c.4133G>C (p.Arg1378Pro)

Gene: CREBBP (CREB binding lysine acetyltransferase; minus strand). Cytogenetic location: 16p13.3.
Variant type: single nucleotide variant.
Coding change: c.4133G>C on transcript NM_004380.3 (MANE Select); coding-DNA position 4133, G replaced by C.
Protein change: p.Arg1378Pro; replaces arginine 1378 with proline.
Molecular consequence: missense variant.
Genome position (GRCh38, 1-based): chr16:3,740,399, C>G on the plus strand (G>C on the coding strand, the complement: CREBBP is on the minus strand). VCF-style: chr16-3740399-C-G. GRCh37 (hg19) VCF-style: chr16-3790400-C-G.
Other names: c.4019G>C, p.Arg1340Pro (NM_001079846.1); short protein forms R1378P, R1340P.
Identifiers: ClinVar variation 9430 (VCV000009430.5), dbSNP rs121434626, ClinGen allele CA254813.
Genomic context (GRCh38, chr16:3,740,399, plus strand): 5'-GCTCTGGCAAGCGGGCGTGGGGACTGCTCGCAGAGCACTGTAGAGAGCAGGCACACTGAC[C>G]GTGACTTCATCCCGGGCTTGACCTCCACCGTCTTGTCTGAGCTGGCCACCACTCGGACAA-3'
Protein context (NP_004371.2, residues 1368-1388): TVEVKPGMKS[Arg1378Pro]FVDSGEMSES